The following is an entry in ClinVar:

ClinVar aggregate classification (germline): Uncertain significance. Review status: criteria provided, multiple submitters, no conflicts (2 of 4 stars). 2 submissions from 2 submitters: Uncertain significance (2). Last evaluated 2025-04-22.

Conditions:
Hereditary cancer-predisposing syndrome. Also called: Neoplastic Syndromes, Hereditary; Tumor predisposition; Hereditary neoplastic syndrome; Hereditary Cancer Syndrome. Identifiers: Orphanet 140162, MedGen C0027672, MeSH D009386, MONDO:0015356.

Allele frequency attached by ClinVar (database versions not stated): gnomAD exomes below 0.00001.

Submissions (2):

Labcorp Genetics (formerly Invitae), Labcorp
Classification: Uncertain significance. Last evaluated: 2025-04-22. Review status: criteria provided, single submitter. Criteria: Invitae Variant Classification Sherloc (09022015). Collection method: clinical testing. Allele origin: germline.
Comment: This sequence change replaces lysine, which is basic and polar, with arginine, which is basic and polar, at codon 270 of the HOXB13 protein (p.Lys270Arg). This variant is present in population databases (no rsID available, gnomAD 0.0009%). This variant has not been reported in the literature in individuals affected with HOXB13-related conditions. ClinVar contains an entry for this variant (Variation ID: 827447). Invitae Evidence Modeling of protein sequence and biophysical properties (such as structural, functional, and spatial information, amino acid conservation, physicochemical variation, residue mobility, and thermodynamic stability) indicates that this missense variant is expected to disrupt HOXB13 protein function with a positive predictive value of 80%. Experimental studies have shown that this missense change does not substantially affect HOXB13 function (PMID: 29471853). In summary, the available evidence is currently insufficient to determine the role of this variant in disease. Therefore, it has been classified as a Variant of Uncertain Significance.

Ambry Genetics
Classification: Uncertain significance for Hereditary cancer-predisposing syndrome. Last evaluated: 2018-05-31. Review status: criteria provided, single submitter. Criteria: Ambry Variant Classification Scheme 2023. Collection method: clinical testing. Allele origin: germline.
Comment: The p.K270R variant (also known as c.809A>G), located in coding exon 2 of the HOXB13 gene, results from an A to G substitution at nucleotide position 809. The lysine at codon 270 is replaced by arginine, an amino acid with highly similar properties. This amino acid position is highly conserved in available vertebrate species. In addition, this alteration is predicted to be deleterious by in silico analysis. Since supporting evidence is limited at this time, the clinical significance of this alteration remains unclear.

Literature cited by the submitters: PubMed 29471853 (cited by Labcorp Genetics (formerly Invitae), Labcorp).

NM_006361.6(HOXB13):c.809A>G (p.Lys270Arg)

Gene: HOXB13 (homeobox B13; minus strand). Cytogenetic location: 17q21.32.
Variant type: single nucleotide variant.
Coding change: c.809A>G on transcript NM_006361.6 (MANE Select); coding-DNA position 809, A replaced by G.
Protein change: p.Lys270Arg; replaces lysine 270 with arginine.
Molecular consequence: missense variant.
Genome position (GRCh38, 1-based): chr17:48,726,836, T>C on the plus strand (A>G on the coding strand, the complement: HOXB13 is on the minus strand). VCF-style: chr17-48726836-T-C. GRCh37 (hg19) VCF-style: chr17-46804198-T-C.
Other names: short protein forms K270R.
Identifiers: ClinVar variation 827447 (VCV000827447.9), dbSNP rs1409961998, ClinGen allele CA400105507.